The following is an entry in ClinVar:

NM_001114753.3(ENG):c.1271A>T (p.Glu424Val)

Genes: ENG (endoglin; minus strand), LOC102723566 (uncharacterized LOC102723566; plus strand). Cytogenetic location: 9q34.11.
Variant type: single nucleotide variant.
Coding change: c.1271A>T on transcript NM_001114753.3 (MANE Select); coding-DNA position 1271, A replaced by T.
Protein change: p.Glu424Val; replaces glutamic acid 424 with valine.
Molecular consequence: missense variant.
Genome position (GRCh38, 1-based): chr9:127,819,901, T>A on the plus strand (A>T on the coding strand, the complement: ENG is on the minus strand). VCF-style: chr9-127819901-T-A. GRCh37 (hg19) VCF-style: chr9-130582180-T-A.
Other names: c.1271A>T, p.Glu424Val (NM_000118.4); c.725A>T, p.Glu242Val (NM_001278138.2); short protein forms E424V, E242V.
Identifiers: ClinVar variation 2913043 (VCV002913043.3), dbSNP rs2539063945, ClinGen allele CA374978220.
Genomic context (GRCh38, chr9:127,819,901, plus strand): 5'-GGCACCTGAGGGGGCACCAACCAGGCTGGTCCTGATACCTTTTTGGCCCCAGCTCTTACC[T>A]CATTGCTGATCATACTTGCTGACACCTGCATGCCACAGCTGGAGTAAGCACTGCGCAAGA-3'
Protein context (NP_001108225.1, residues 414-434): MQVSASMISN[Glu424Val]AVVNILSSSS

ClinVar aggregate classification (germline): Uncertain significance (1 of 4 stars; one submission).

Conditions:
Hereditary hemorrhagic telangiectasia (HHT). Also called: ORW DISEASE; Osler Weber Rendu syndrome; OSLER-RENDU-WEBER DISEASE; Osler hemorrhagic telangiectasia syndrome. Identifiers: Orphanet 774, MedGen C0039445, MONDO:0019180. Disease mechanism: loss of function.

Allele frequency attached by ClinVar (database versions not stated): gnomAD exomes below 0.00001.
gnomAD v4.1: 1 of 1,614,200 alleles (0.000062%); highest among the groups gnomAD compares: Non-Finnish European, 0.000085%; no homozygotes.

Submission:

Labcorp Genetics (formerly Invitae), Labcorp
Classification: Uncertain significance for Hereditary hemorrhagic telangiectasia. Last evaluated: 2023-06-24. Review status: criteria provided, single submitter. Criteria: Invitae Variant Classification Sherloc (09022015). Collection method: clinical testing. Allele origin: germline.
Comment: This sequence change replaces glutamic acid, which is acidic and polar, with valine, which is neutral and non-polar, at codon 424 of the ENG protein (p.Glu424Val). This variant is not present in population databases (gnomAD no frequency). This variant has not been reported in the literature in individuals affected with ENG-related conditions. An algorithm developed to predict the effect of missense changes on protein structure and function (PolyPhen-2) suggests that this variant is likely to be disruptive. In summary, the available evidence is currently insufficient to determine the role of this variant in disease. Therefore, it has been classified as a Variant of Uncertain Significance.